The following is an entry in ClinVar:

NM_000038.6(APC):c.7316G>A (p.Arg2439His)

Gene: APC (APC regulator of Wnt signaling pathway; plus strand). Cytogenetic location: 5q22.2.
Variant type: single nucleotide variant.
Coding change: c.7316G>A on transcript NM_000038.6 (MANE Select); coding-DNA position 7316, G replaced by A.
Protein change: p.Arg2439His; replaces arginine 2439 with histidine.
Molecular consequence: missense variant.
Genome position (GRCh38, 1-based): chr5:112,842,910, G>A. VCF-style: chr5-112842910-G-A. GRCh37 (hg19) VCF-style: chr5-112178607-G-A.
Other names: c.7316G>A, p.Arg2439His (NM_001127510.3, NM_001354895.2); c.7262G>A, p.Arg2421His (NM_001127511.3); c.7370G>A, p.Arg2457His (NM_001354896.2); c.7346G>A, p.Arg2449His (NM_001354897.2); c.7241G>A, p.Arg2414His (NM_001354898.2); c.7232G>A, p.Arg2411His (NM_001354899.2); c.7193G>A, p.Arg2398His (NM_001354900.2); c.7139G>A, p.Arg2380His (NM_001354901.2); and 5 more; short protein forms R2421H, R2439H, R2348H, R2380H, R2411H, R2449H, R2338H, R2457H.
Identifiers: ClinVar variation 485161 (VCV000485161.20), dbSNP rs1221895599, ClinGen allele CA16037262.

ClinVar aggregate classification (germline): Uncertain significance. Review status: criteria provided, multiple submitters, no conflicts (2 of 4 stars). 5 submissions from 5 submitters: Uncertain significance (5). Last evaluated 2025-06-10.

Conditions:
Hereditary cancer-predisposing syndrome. Also called: Neoplastic Syndromes, Hereditary; Tumor predisposition; Hereditary Cancer Syndrome; Hereditary neoplastic syndrome. Identifiers: Orphanet 140162, MedGen C0027672, MeSH D009386, MONDO:0015356.
Familial adenomatous polyposis 1 (FAP1). Also called: FAMILIAL ADENOMATOUS POLYPOSIS 1, ATTENUATED; POLYPOSIS, ADENOMATOUS INTESTINAL. Identifiers: MedGen C2713442, MONDO:0021056, OMIM 175100. Disease mechanism: loss of function.
Classic or attenuated familial adenomatous polyposis. Identifiers: MedGen CN372698, MONDO:0021057.

gnomAD v4.1: 3 of 1,613,970 alleles (0.00019%); highest among the groups gnomAD compares: Non-Finnish European, 0.00025%; no homozygotes.

Submissions (5):

Ambry Genetics
Classification: Uncertain significance for Hereditary cancer-predisposing syndrome. Last evaluated: 2025-06-10. Review status: criteria provided, single submitter. Criteria: Ambry Variant Classification Scheme 2023. Collection method: clinical testing. Allele origin: germline.
Comment: The p.R2439H variant (also known as c.7316G>A), located in coding exon 15 of the APC gene, results from a G to A substitution at nucleotide position 7316. The arginine at codon 2439 is replaced by histidine, an amino acid with highly similar properties. This amino acid position is highly conserved in available vertebrate species. In addition, in silico predictors for this gene do not accurately predict pathogenicity. Missense alterations in APC are not a common cause of disease (Spier I et al. Genet Med. 2024 Feb;26(2):100992). Since supporting evidence is limited at this time, the clinical significance of this alteration remains unclear.

All of Us Research Program, National Institutes of Health
Classification: Uncertain significance for Classic or attenuated familial adenomatous polyposis. Last evaluated: 2023-12-18. Review status: criteria provided, single submitter. Criteria: ACMG Guidelines, 2015. Collection method: clinical testing. Allele origin: germline. Inheritance: Autosomal dominant inheritance. Observed: 1 variant allele, 1 heterozygote.
Comment: This missense variant replaces arginine with histidine at codon 2439 of the APC protein. Computational prediction suggests that this variant may have deleterious impact on protein structure and function (internally defined REVEL score threshold >= 0.7, PMID: 27666373). To our knowledge, functional studies have not been reported for this variant. This variant has not been reported in individuals affected with APC-related disorders in the literature. This variant has not been identified in the general population by the Genome Aggregation Database (gnomAD). The available evidence is insufficient to determine the role of this variant in disease conclusively. Therefore, this variant is classified as a Variant of Uncertain Significance.

This study involves interpretation of variants in research participants for the purpose of population health screening. Participant phenotype was not available at the time of variant classification. Additional details can be found in publication PMID: 35346344, PMCID: PMC8962531

Color Diagnostics, LLC DBA Color Health
Classification: Uncertain significance for Hereditary cancer-predisposing syndrome. Last evaluated: 2023-12-04. Review status: criteria provided, single submitter. Criteria: ACMG Guidelines, 2015. Collection method: clinical testing. Allele origin: germline.
Comment: This missense variant replaces arginine with histidine at codon 2439 of the APC protein. Computational prediction suggests that this variant may have deleterious impact on protein structure and function (internally defined REVEL score threshold >= 0.7, PMID: 27666373). To our knowledge, functional studies have not been reported for this variant. This variant has not been reported in individuals affected with APC-related disorders in the literature. This variant has not been identified in the general population by the Genome Aggregation Database (gnomAD). The available evidence is insufficient to determine the role of this variant in disease conclusively. Therefore, this variant is classified as a Variant of Uncertain Significance.

Labcorp Genetics (formerly Invitae), Labcorp
Classification: Uncertain significance for Familial adenomatous polyposis 1. Last evaluated: 2023-12-03. Review status: criteria provided, single submitter. Criteria: Invitae Variant Classification Sherloc (09022015). Collection method: clinical testing. Allele origin: germline.
Comment: This sequence change replaces arginine, which is basic and polar, with histidine, which is basic and polar, at codon 2439 of the APC protein (p.Arg2439His). This variant is not present in population databases (gnomAD no frequency). This variant has not been reported in the literature in individuals affected with APC-related conditions. ClinVar contains an entry for this variant (Variation ID: 485161). Advanced modeling of protein sequence and biophysical properties (such as structural, functional, and spatial information, amino acid conservation, physicochemical variation, residue mobility, and thermodynamic stability) performed at Invitae indicates that this missense variant is not expected to disrupt APC protein function with a negative predictive value of 95%. In summary, the available evidence is currently insufficient to determine the role of this variant in disease. Therefore, it has been classified as a Variant of Uncertain Significance.

Baylor Genetics
Classification: Uncertain significance for Familial adenomatous polyposis 1. Last evaluated: 2023-10-16. Review status: criteria provided, single submitter. Criteria: ACMG Guidelines, 2015. Collection method: clinical testing. Allele origin: unknown.